The following is an entry in ClinVar:

NM_000023.4(SGCA):c.70C>T (p.Gln24Ter)

Gene: SGCA (sarcoglycan alpha; plus strand). Cytogenetic location: 17q21.33.
Variant type: single nucleotide variant.
Coding change: c.70C>T on transcript NM_000023.4 (MANE Select); coding-DNA position 70, C replaced by T.
Protein change: p.Gln24Ter; replaces glutamine 24 with a stop codon.
Molecular consequence: nonsense. On other transcripts: non-coding transcript variant (1).
Genome position (GRCh38, 1-based): chr17:50,167,400, C>T. VCF-style: chr17-50167400-C-T. GRCh37 (hg19) VCF-style: chr17-48244761-C-T.
Other names: c.70C>T (NM_000023.3); c.70C>T, p.Gln24Ter (NM_001135697.3); short protein forms Q24*.
Identifiers: ClinVar variation 1068521 (VCV001068521.11), dbSNP rs2144493135, ClinGen allele CA400176463.

ClinVar aggregate classification (germline): Pathogenic/Likely pathogenic. Review status: criteria provided, multiple submitters, no conflicts (2 of 4 stars). 3 submissions from 3 submitters: Pathogenic (1); Likely pathogenic (2). Last evaluated 2025-10-01.

Conditions:
Autosomal recessive limb-girdle muscular dystrophy type 2D (LGMDR3). Also called: DUCHENNE-LIKE AUTOSOMAL RECESSIVE MUSCULAR DYSTROPHY, TYPE 2; MUSCULAR DYSTROPHY, LIMB-GIRDLE, AUTOSOMAL RECESSIVE 3; ADHALINOPATHY, PRIMARY. Identifiers: Orphanet 62, MedGen C2936332, MONDO:0011968, OMIM 608099. Disease mechanism: Affects gamma-sarcoglycan and also disrupts the integrity of the entire sarcoglycan complex..

Submissions (3):

Labcorp Genetics (formerly Invitae), Labcorp
Classification: Pathogenic for Autosomal recessive limb-girdle muscular dystrophy type 2D. Last evaluated: 2025-10-01. Review status: criteria provided, single submitter. Criteria: Invitae Variant Classification Sherloc (09022015). Collection method: clinical testing. Allele origin: germline.
Comment: This sequence change creates a premature translational stop signal (p.Gln24*) in the SGCA gene. It is expected to result in an absent or disrupted protein product. Loss-of-function variants in SGCA are known to be pathogenic (PMID: 9192266). This variant is not present in population databases (gnomAD no frequency). This variant has not been reported in the literature in individuals affected with SGCA-related conditions. ClinVar contains an entry for this variant (Variation ID: 1068521). Algorithms developed to predict the effect of sequence changes on RNA splicing suggest that this variant may disrupt the consensus splice site. For these reasons, this variant has been classified as Pathogenic.

Natera, Inc.
Classification: Likely pathogenic for Limb-girdle muscular dystrophy type 2D. Last evaluated: 2025-04-11. Review status: criteria provided, single submitter. Criteria: Natera Variant Classification Schema (03/2026). Collection method: clinical testing. Allele origin: germline.
Comment: The c.70C>T variant in SGCA is a nonsense variant predicted to introduce a stop codon at amino acid 24. This variant is expected to result in nonsense mediated decay, truncation, or a dysfunctional protein product. This variant is rare in the general population with a frequency below the threshold expected for the associated phenotype(s). Given the available evidence, this variant is classified as Likely Pathogenic.

Baylor Genetics
Classification: Likely pathogenic for Autosomal recessive limb-girdle muscular dystrophy type 2D. Last evaluated: 2023-12-19. Review status: criteria provided, single submitter. Criteria: ACMG Guidelines, 2015. Collection method: clinical testing. Allele origin: unknown.

Literature cited by the submitters: PubMed 9192266 (cited by Labcorp Genetics (formerly Invitae), Labcorp).